The following is an entry in ClinVar:

NM_001377540.1(SLMAP):c.895G>A (p.Glu299Lys)

Gene: SLMAP (sarcolemma associated protein; plus strand). Cytogenetic location: 3p14.3.
Variant type: single nucleotide variant.
Coding change: c.895G>A on transcript NM_001377540.1 (MANE Select); coding-DNA position 895, G replaced by A.
Protein change: p.Glu299Lys; replaces glutamic acid 299 with lysine.
Molecular consequence: missense variant. On other transcripts: non-coding transcript variant (1).
Genome position (GRCh38, 1-based): chr3:57,862,015, G>A. VCF-style: chr3-57862015-G-A. GRCh37 (hg19) VCF-style: chr3-57847742-G-A.
Other names: c.895G>A, p.Glu299Lys (NM_001304420.3, NM_001304421.2, NM_001377538.1 and 17 more transcripts); short protein forms E299K.
Identifiers: ClinVar variation 3798752 (VCV003798752.1).
Genomic context (GRCh38, chr3:57,862,015, plus strand): 5'-CTGAGTAATACTGAAGATGAATGTACCCATCTGAAAGAAATGAATGAAAGGACTCAGGAA[G>A]AATTAAGAGAATTAGCCAACAAATATAATGGAGCAGTTAATGAGATTAAAGATTTATCTG-3'
Protein context (NP_001364469.1, residues 289-309): LKEMNERTQE[Glu299Lys]LRELANKYNG

ClinVar aggregate classification (germline): Uncertain significance (1 of 4 stars; one submission).

gnomAD v4.1: 1 of 1,601,050 alleles (0.000062%); highest among the groups gnomAD compares: Non-Finnish European, 0.000086%; no homozygotes.

Submission:

Ambry Genetics
Classification: Uncertain significance. Last evaluated: 2025-03-03. Review status: criteria provided, single submitter. Criteria: Ambry Variant Classification Scheme 2023. Collection method: clinical testing. Allele origin: germline.
Comment: The p.E299K variant (also known as c.895G>A), located in coding exon 9 of the SLMAP gene, results from a G to A substitution at nucleotide position 895. The glutamic acid at codon 299 is replaced by lysine, an amino acid with similar properties. This amino acid position is conserved. In addition, this alteration is predicted to be deleterious by in silico analysis. Based on the available evidence, the clinical significance of this variant remains unclear.